The following is an entry in ClinVar:

ClinVar aggregate classification (germline): Conflicting classifications of pathogenicity. Review status: criteria provided, conflicting classifications (1 of 4 stars). 4 submissions from 4 submitters: Pathogenic (1); Likely pathogenic (1); Uncertain significance (1). 1 of the submissions does not count toward it. Last evaluated 2026-01-24.

Conditions:
X-linked Alport syndrome (ATS1). Also called: COL4A5-Related Nephropathy; NEPHROPATHY AND DEAFNESS, X-LINKED. Identifiers: Orphanet 63, Orphanet 88917, MedGen C4746986, MONDO:0010520, OMIM 301050.

Submissions (4):

Natera, Inc.
Classification: Likely pathogenic for X-linked Alport syndrome. Last evaluated: 2026-01-24. Review status: criteria provided, single submitter. Criteria: Natera Variant Classification Schema (03/2026). Collection method: clinical testing. Allele origin: germline.
Comment: The c.4511-345A>G variant in COL4A5 is an intronic variant located outside the canonical splice sites. This variant is rare in the general population with a frequency below the threshold expected for the associated phenotype(s). This variant has been observed in affected individual(s) with monoallelic occurrence (heterozygous/hemizygous) (PMID: 35759000, 25183659, 22921432). This variant has been identified in one or more affected individual with a phenotype highly consistent with the associated gene (PMID: 35759000). Functional studies show that this variant may disrupt protein function (PMID: 25183659, 22921432). Given the available evidence, this variant is classified as Likely Pathogenic.

Labcorp Genetics (formerly Invitae), Labcorp
Classification: Uncertain significance. Last evaluated: 2020-09-12. Review status: criteria provided, single submitter. Criteria: Invitae Variant Classification Sherloc (09022015). Collection method: clinical testing. Allele origin: germline.
Comment: The frequency data for this variant in the population databases is considered unreliable, as metrics indicate insufficient coverage at this position in the ExAC database. In summary, the available evidence is currently insufficient to determine the role of this variant in disease. Therefore, it has been classified as a Variant of Uncertain Significance. Experimental studies have shown that this variant disrupts mRNA splicing (PMID: 22921432, 25183659). This variant has been observed in individual(s) with clinical features of Alport syndrome (PMID: 22921432, 25183659, Invitae). This variant is also known as 4712+ 4709A>G and IVS48-345A>G. ClinVar contains an entry for this variant (Variation ID: 587122). This sequence change falls in intron 47 of the COL4A5 gene. It does not directly change the encoded amino acid sequence of the COL4A5 protein.

GeneDx
Classification: Pathogenic. Last evaluated: 2020-01-14. Review status: criteria provided, single submitter. Criteria: GeneDx Variant Classification Process June 2021. Collection method: clinical testing. Allele origin: germline. Affected: yes.
Comment: Non-canonical splice site variant demonstrated to result in loss-of-function (Nozu et al., 2014); No data available from control populations to assess the frequency of this variant; This variant is associated with the following publications: (PMID: 25183659, 22921432)

Bioscientia Institut fuer Medizinische Diagnostik GmbH, Sonic Healthcare
Classification: Likely pathogenic for X-linked Alport syndrome. Last evaluated: 2018-02-12. Review status: no assertion criteria provided. Collection method: clinical testing. Allele origin: germline. Affected: yes. Not counted in ClinVar's aggregate classification.

Literature cited by the submitters: PubMed 35759000 (cited by Natera, Inc.); PubMed 25183659 (cited by Natera, Inc. and Labcorp Genetics (formerly Invitae), Labcorp); PubMed 22921432 (cited by Natera, Inc. and Labcorp Genetics (formerly Invitae), Labcorp).

NM_033380.3(COL4A5):c.4529-345A>G

Gene: COL4A5 (collagen type IV alpha 5 chain; plus strand). Cytogenetic location: Xq22.3.
Variant type: single nucleotide variant.
Coding change: c.4529-345A>G on transcript NM_033380.3 (MANE Select); 345 bases into the intron before coding-DNA position 4529, A replaced by G.
Molecular consequence: intron variant.
Genome position (GRCh38, 1-based): chrX:108,692,403, A>G. VCF-style: chrX-108692403-A-G. GRCh37 (hg19) VCF-style: chrX-107935633-A-G.
Other names: c.4511-345A>G (NM_000495.5).
Identifiers: ClinVar variation 587122 (VCV000587122.13), dbSNP rs1569508899, ClinGen allele CA891843690.